The following is an entry in ClinVar:

ClinVar aggregate classification (germline): Uncertain significance (1 of 4 stars; one submission).

Allele frequency attached by ClinVar (database versions not stated): gnomAD 0.00002 and 0.00003; gnomAD exomes 0.00002; ExAC 0.00003; 1000 Genomes Project 30x 0.00016; 1000 Genomes Project 0.00020.
gnomAD v4.1: 57 of 1,608,598 alleles (0.0035%); highest among the groups gnomAD compares: East Asian, 0.0045%; no homozygotes.

Submission:

Labcorp Genetics (formerly Invitae), Labcorp
Classification: Uncertain significance. Last evaluated: 2025-11-24. Review status: criteria provided, single submitter. Criteria: Invitae Variant Classification Sherloc (09022015). Collection method: clinical testing. Allele origin: germline.
Comment: This sequence change replaces alanine, which is neutral and non-polar, with valine, which is neutral and non-polar, at codon 826 of the CACNA2D4 protein (p.Ala826Val). This variant is present in population databases (rs552472772, gnomAD 0.006%). This variant has not been reported in the literature in individuals affected with CACNA2D4-related conditions. ClinVar contains an entry for this variant (Variation ID: 1463722). An algorithm developed to predict the effect of missense changes on protein structure and function (PolyPhen-2) suggests that this variant is likely to be tolerated. In summary, the available evidence is currently insufficient to determine the role of this variant in disease. Therefore, it has been classified as a Variant of Uncertain Significance.

NM_172364.5(CACNA2D4):c.2477C>T (p.Ala826Val)

Gene: CACNA2D4 (calcium voltage-gated channel auxiliary subunit alpha2delta 4; minus strand). Cytogenetic location: 12p13.33.
Variant type: single nucleotide variant.
Coding change: c.2477C>T on transcript NM_172364.5 (MANE Select); coding-DNA position 2477, C replaced by T.
Protein change: p.Ala826Val; replaces alanine 826 with valine.
Molecular consequence: missense variant.
Genome position (GRCh38, 1-based): chr12:1,840,813, G>A on the plus strand (C>T on the coding strand, the complement: CACNA2D4 is on the minus strand). VCF-style: chr12-1840813-G-A. GRCh37 (hg19) VCF-style: chr12-1949979-G-A.
Other names: short protein forms A826V.
Identifiers: ClinVar variation 1463722 (VCV001463722.6), dbSNP rs552472772, ClinGen allele CA6386669.